The following is an entry in ClinVar:

ClinVar aggregate classification (germline): Uncertain significance. Review status: criteria provided, multiple submitters, no conflicts (2 of 4 stars). 2 submissions from 2 submitters: Uncertain significance (2). Last evaluated 2023-03-31.

Conditions:
Haddad syndrome (OHD). Also called: Ondine-Hirschsprung disease. Identifiers: Orphanet 99803, MedGen C1859049, MONDO:0020493.
Hereditary cancer-predisposing syndrome. Also called: Neoplastic Syndromes, Hereditary; Hereditary Cancer Syndrome; Hereditary neoplastic syndrome; Tumor predisposition. Identifiers: Orphanet 140162, MedGen C0027672, MeSH D009386, MONDO:0015356.

Submissions (2):

Ambry Genetics
Classification: Uncertain significance for Hereditary cancer-predisposing syndrome. Last evaluated: 2023-03-31. Review status: criteria provided, single submitter. Criteria: Ambry Variant Classification Scheme 2023. Collection method: clinical testing. Allele origin: germline.
Comment: The p.F33I variant (also known as c.97T>A), located in coding exon 1 of the PHOX2B gene, results from a T to A substitution at nucleotide position 97. The phenylalanine at codon 33 is replaced by isoleucine, an amino acid with highly similar properties. This amino acid position is conserved. In addition, the in silico prediction for this alteration is inconclusive. Since supporting evidence is limited at this time, the clinical significance of this alteration remains unclear.

Labcorp Genetics (formerly Invitae), Labcorp
Classification: Uncertain significance for Haddad syndrome. Last evaluated: 2023-01-10. Review status: criteria provided, single submitter. Criteria: Invitae Variant Classification Sherloc (09022015). Collection method: clinical testing. Allele origin: germline.
Comment: In summary, the available evidence is currently insufficient to determine the role of this variant in disease. Therefore, it has been classified as a Variant of Uncertain Significance. Algorithms developed to predict the effect of missense changes on protein structure and function are either unavailable or do not agree on the potential impact of this missense change (SIFT: "Deleterious"; PolyPhen-2: "Probably Damaging"; Align-GVGD: "Class C15"). This variant has not been reported in the literature in individuals affected with PHOX2B-related conditions. This variant is not present in population databases (gnomAD no frequency). This sequence change replaces phenylalanine, which is neutral and non-polar, with isoleucine, which is neutral and non-polar, at codon 33 of the PHOX2B protein (p.Phe33Ile).

NM_003924.4(PHOX2B):c.97T>A (p.Phe33Ile)

Genes: PHOX2B-AS1 (PHOX2B antisense RNA 1; plus strand), PHOX2B (paired like homeobox 2B; minus strand). Cytogenetic location: 4p13.
Variant type: single nucleotide variant.
Coding change: c.97T>A on transcript NM_003924.4 (MANE Select); coding-DNA position 97, T replaced by A.
Protein change: p.Phe33Ile; replaces phenylalanine 33 with isoleucine.
Molecular consequence: missense variant.
Genome position (GRCh38, 1-based): chr4:41,748,514, A>T on the plus strand (T>A on the coding strand, the complement: PHOX2B is on the minus strand). VCF-style: chr4-41748514-A-T. GRCh37 (hg19) VCF-style: chr4-41750531-A-T.
Other names: short protein forms F33I.
Identifiers: ClinVar variation 2563104 (VCV002563104.5), dbSNP rs1043632230, ClinGen allele CA95829693.